The following is an entry in ClinVar:

ClinVar aggregate classification (germline): Uncertain significance. Review status: criteria provided, single submitter (1 of 4 stars). 3 submissions from 3 submitters: Uncertain significance (1). 2 of the submissions do not count toward it. Last evaluated 2018-04-16.

Conditions:
Charcot-Marie-Tooth disease, axonal, autosomal recessive, type 2a2b;. Also called: Charcot-Marie-Tooth disease, axonal, type 2A2B; Charcot-Marie-Tooth disease, axonal, autosomal recessive, type 2A2B. Identifiers: MedGen C4310725, MONDO:0014906, OMIM 617087.
Charcot-Marie-Tooth disease. Also called: Charcot-Marie-Tooth Neuropathy; Charcot-Marie-Tooth Hereditary Neuropathy. Identifiers: Orphanet 166, MedGen C0007959, MONDO:0015626.

gnomAD v4.1: 1 of 1,614,162 alleles (0.000062%); highest among the groups gnomAD compares: Non-Finnish European, 0.000085%; no homozygotes.

Submissions (3):

SIB Swiss Institute of Bioinformatics
Classification: Uncertain significance for Charcot-Marie-Tooth disease, axonal, autosomal recessive, type 2a2b;. Last evaluated: 2018-04-16. Review status: criteria provided, single submitter. Criteria: ACMG Guidelines, 2015. Collection method: curation. Allele origin: germline.
Comment: This variant is interpreted as a Uncertain Significance, for Charcot-Marie-Tooth disease, axonal, type 2A2B, Autosomal Recessive inheritance. The following ACMG Tag(s) were applied: PM2 => Absent from controls (or at extremely low frequency if recessive) in Exome Sequencing Project, 1000 Genomes Project, or Exome Aggregation Consortium. PP3 => Multiple lines of computational evidence support a deleterious effect on the gene or gene product. PM3 => For recessive disorders, detected in trans with a pathogenic variant (PMID:18458227).

OMIM
Classification: Pathogenic for CHARCOT-MARIE-TOOTH DISEASE, AXONAL, TYPE 2A2B, AUTOSOMAL RECESSIVE. Last evaluated: 2008-05-06. Review status: no assertion criteria provided. Collection method: literature only. Allele origin: germline. Not counted in ClinVar's aggregate classification.

Inherited Neuropathy Consortium
Classification: Uncertain significance for Charcot-Marie-Tooth disease. Review status: no assertion criteria provided. Collection method: literature only. Allele origin: germline. Affected: yes. Not counted in ClinVar's aggregate classification.

Literature cited by the submitters: PubMed 18458227 (cited by 3 submitters).

NM_014874.4(MFN2):c.491C>T (p.Ala164Val)

Gene: MFN2 (mitofusin 2; plus strand). Cytogenetic location: 1p36.22.
Variant type: single nucleotide variant.
Coding change: c.491C>T on transcript NM_014874.4 (MANE Select); coding-DNA position 491, C replaced by T.
Protein change: p.Ala164Val; replaces alanine 164 with valine.
Molecular consequence: missense variant.
Genome position (GRCh38, 1-based): chr1:11,997,313, C>T. VCF-style: chr1-11997313-C-T. GRCh37 (hg19) VCF-style: chr1-12057370-C-T.
Other names: NM_001127660.1:c.491C>T(p.Ala164Val); NM_014874.3:c.491C>T(p.Ala164Val); c.491C>T, p.Ala164Val (NM_001127660.2); short protein forms A164V.
Identifiers: ClinVar variation 549490 (VCV000549490.3), dbSNP rs1553142699, ClinGen allele CA338436247.